The following is an entry in ClinVar:

ClinVar aggregate classification (germline): Benign (1 of 4 stars; one submission).

Conditions:
Birt-Hogg-Dube syndrome 1 (BHD1). Also called: FIBROFOLLICULOMAS WITH TRICHODISCOMAS AND ACROCHORDONS. Identifiers: Orphanet 122, MedGen CN375946, MONDO:0800445, OMIM 135150.

Submission:

Myriad Genetics, Inc.
Classification: Benign for Birt-Hogg-Dube syndrome 1. Last evaluated: 2024-10-23. Review status: criteria provided, single submitter. Criteria: Myriad Autosomal Dominant, Autosomal Recessive and X-Linked Classification Criteria (2023). Collection method: clinical testing. Allele origin: unknown.
Comment: This variant is considered benign. This variant is a silent/synonymous amino acid change and it is not expected to impact splicing.

NM_144997.7(FLCN):c.561C>A (p.Pro187=)

Gene: FLCN (folliculin; minus strand). Cytogenetic location: 17p11.2.
Variant type: single nucleotide variant.
Coding change: c.561C>A on transcript NM_144997.7 (MANE Select); coding-DNA position 561, C replaced by A.
Protein change: p.Pro187=; no amino-acid change (proline 187 retained).
Molecular consequence: synonymous variant.
Genome position (GRCh38, 1-based): chr17:17,223,979, G>T on the plus strand (C>A on the coding strand, the complement: FLCN is on the minus strand). VCF-style: chr17-17223979-G-T. GRCh37 (hg19) VCF-style: chr17-17127293-G-T.
Other names: c.615C>A, p.Pro205= (NM_001353229.2); c.561C>A, p.Pro187= (NM_001353230.2, NM_001353231.2, NM_144606.7).
Identifiers: ClinVar variation 3773299 (VCV003773299.1).